The following is an entry in ClinVar:

NM_004369.4(COL6A3):c.2303G>C (p.Arg768Pro)

Gene: COL6A3 (collagen type VI alpha 3 chain; minus strand). Cytogenetic location: 2q37.3.
Variant type: single nucleotide variant.
Coding change: c.2303G>C on transcript NM_004369.4 (MANE Select); coding-DNA position 2303, G replaced by C.
Protein change: p.Arg768Pro; replaces arginine 768 with proline.
Molecular consequence: missense variant. On other transcripts: intron variant (1).
Genome position (GRCh38, 1-based): chr2:237,378,830, C>G on the plus strand (G>C on the coding strand, the complement: COL6A3 is on the minus strand). VCF-style: chr2-237378830-C-G. GRCh37 (hg19) VCF-style: chr2-238287473-C-G.
Other names: c.1082G>C, p.Arg361Pro (NM_057164.5); c.1685G>C, p.Arg562Pro (NM_057165.5, NM_057167.4); c.677-1486G>C (NM_057166.5); short protein forms R361P, R562P, R768P.
Identifiers: ClinVar variation 1980558 (VCV001980558.8), dbSNP rs575412915, ClinGen allele CA351213242.

ClinVar aggregate classification (germline): Uncertain significance. Review status: criteria provided, multiple submitters, no conflicts (2 of 4 stars). 3 submissions from 3 submitters: Uncertain significance (3). Last evaluated 2025-02-24.

Conditions:
Bethlem myopathy 1A. Also called: MYOPATHY, BENIGN CONGENITAL, WITH CONTRACTURES; Bethlem myopathy 1; Bethlem Muscular Dystrophy. Identifiers: Orphanet 610, MedGen CN029274, MONDO:0024530, OMIM 158810.
Inborn genetic diseases. Identifiers: MedGen C0950123, MeSH D030342.

gnomAD v4.1: 8 of 1,614,230 alleles (0.0005%); highest among the groups gnomAD compares: Non-Finnish European, 0.00068%; no homozygotes.

Submissions (3):

Ambry Genetics
Classification: Uncertain significance for Inborn genetic diseases. Last evaluated: 2025-02-24. Review status: criteria provided, single submitter. Criteria: Ambry Variant Classification Scheme 2023. Collection method: clinical testing. Allele origin: germline.

Labcorp Genetics (formerly Invitae), Labcorp
Classification: Uncertain significance for Bethlem myopathy 1A. Last evaluated: 2023-02-01. Review status: criteria provided, single submitter. Criteria: Invitae Variant Classification Sherloc (09022015). Collection method: clinical testing. Allele origin: germline.
Comment: This sequence change replaces arginine, which is basic and polar, with proline, which is neutral and non-polar, at codon 768 of the COL6A3 protein (p.Arg768Pro). This variant is not present in population databases (gnomAD no frequency). This variant has not been reported in the literature in individuals affected with COL6A3-related conditions. Advanced modeling of protein sequence and biophysical properties (such as structural, functional, and spatial information, amino acid conservation, physicochemical variation, residue mobility, and thermodynamic stability) performed at Invitae indicates that this missense variant is not expected to disrupt COL6A3 protein function. In summary, the available evidence is currently insufficient to determine the role of this variant in disease. Therefore, it has been classified as a Variant of Uncertain Significance.

Revvity Omics, Revvity
Classification: Uncertain significance. Last evaluated: 2020-01-21. Review status: criteria provided, single submitter. Criteria: ACMG Guidelines, 2015. Collection method: clinical testing. Allele origin: germline.